The following is an entry in ClinVar:

ClinVar aggregate classification (germline): Uncertain significance. Review status: criteria provided, multiple submitters, no conflicts (2 of 4 stars). 3 submissions from 3 submitters: Uncertain significance (3). Last evaluated 2026-06-11.

Conditions:
Severe combined immunodeficiency due to DNA-PKcs deficiency. Also called: IMMUNODEFICIENCY 26 WITH NEUROLOGIC ABNORMALITIES; Immunodeficiency 26 with or without neurologic abnormalities. Identifiers: Orphanet 317425, MedGen C4014833, MONDO:0014423, OMIM 615966.

Allele frequency attached by ClinVar (database versions not stated): gnomAD 0.00001; ExAC 0.00003; TOPMed 0.00003; ESP Exome Variant Server 0.00008.
gnomAD v4.1: 30 of 1,611,542 alleles (0.0019%); highest among the groups gnomAD compares: African/African-American, 0.0053%; no homozygotes.

Submissions (3):

GeneDx
Classification: Uncertain significance. Last evaluated: 2026-06-11. Review status: criteria provided, single submitter. Criteria: GeneDx Variant Classification Process June 2021. Collection method: clinical testing. Allele origin: germline.
Comment: In silico analysis indicates that this missense variant does not alter protein structure/function; Has not been previously published as pathogenic or benign to our knowledge

Labcorp Genetics (formerly Invitae), Labcorp
Classification: Uncertain significance for Severe combined immunodeficiency due to DNA-PKcs deficiency. Last evaluated: 2024-10-04. Review status: criteria provided, single submitter. Criteria: Invitae Variant Classification Sherloc (09022015). Collection method: clinical testing. Allele origin: germline.
Comment: This sequence change replaces alanine, which is neutral and non-polar, with valine, which is neutral and non-polar, at codon 1103 of the PRKDC protein (p.Ala1103Val). This variant is present in population databases (rs371342102, gnomAD 0.004%). This variant has not been reported in the literature in individuals affected with PRKDC-related conditions. ClinVar contains an entry for this variant (Variation ID: 2085566). Invitae Evidence Modeling of protein sequence and biophysical properties (such as structural, functional, and spatial information, amino acid conservation, physicochemical variation, residue mobility, and thermodynamic stability) indicates that this missense variant is not expected to disrupt PRKDC protein function with a negative predictive value of 80%. In summary, the available evidence is currently insufficient to determine the role of this variant in disease. Therefore, it has been classified as a Variant of Uncertain Significance.

Ambry Genetics
Classification: Uncertain significance. Last evaluated: 2022-12-28. Review status: criteria provided, single submitter. Criteria: Ambry Variant Classification Scheme 2023. Collection method: clinical testing. Allele origin: germline.

NM_006904.7(PRKDC):c.3308C>T (p.Ala1103Val)

Gene: PRKDC (protein kinase, DNA-activated, catalytic subunit; minus strand). Cytogenetic location: 8q11.21.
Variant type: single nucleotide variant.
Coding change: c.3308C>T on transcript NM_006904.7 (MANE Select); coding-DNA position 3308, C replaced by T.
Protein change: p.Ala1103Val; replaces alanine 1103 with valine.
Molecular consequence: missense variant.
Genome position (GRCh38, 1-based): chr8:47,900,429, G>A on the plus strand (C>T on the coding strand, the complement: PRKDC is on the minus strand). VCF-style: chr8-47900429-G-A. GRCh37 (hg19) VCF-style: chr8-48812989-G-A.
Other names: c.3308C>T, p.Ala1103Val (NM_001081640.2); short protein forms A1103V.
Identifiers: ClinVar variation 2085566 (VCV002085566.5), dbSNP rs371342102, ClinGen allele CA4741221.